The following is an entry in ClinVar:

NM_138395.4(MARS2):c.778A>G (p.Ser260Gly)

Gene: MARS2 (methionyl-tRNA synthetase 2, mitochondrial; plus strand). Cytogenetic location: 2q33.1.
Variant type: single nucleotide variant.
Coding change: c.778A>G on transcript NM_138395.4 (MANE Select); coding-DNA position 778, A replaced by G.
Protein change: p.Ser260Gly; replaces serine 260 with glycine.
Molecular consequence: missense variant.
Genome position (GRCh38, 1-based): chr2:197,706,183, A>G. VCF-style: chr2-197706183-A-G. GRCh37 (hg19) VCF-style: chr2-198570907-A-G.
Other names: short protein forms S260G.
Identifiers: ClinVar variation 3373304 (VCV003373304.1).
Genomic context (GRCh38, chr2:197,706,183, plus strand): 5'-CACGTAGTTCTTCAGTGGCTGGACGAGGAGCTGCCCGACCTGTCCGTGTCTCGCAGAAGT[A>G]GCCACTTGCACTGGGGCATTCCGGTGCCCGGGGATGATTCGCAGACCATCTATGTATGGC-3'
Protein context (NP_612404.1, residues 250-270): LPDLSVSRRS[Ser260Gly]HLHWGIPVPG

ClinVar aggregate classification (germline): Uncertain significance (1 of 4 stars; one submission).

gnomAD v4.1: 1 of 1,614,120 alleles (0.000062%); highest among the groups gnomAD compares: African/African-American, 0.0013%; no homozygotes.

Submission:

GeneDx
Classification: Uncertain significance. Last evaluated: 2024-04-30. Review status: criteria provided, single submitter. Criteria: GeneDx Variant Classification Process June 2021. Collection method: clinical testing. Allele origin: germline. Affected: yes.
Comment: Not observed at significant frequency in large population cohorts (gnomAD); In silico analysis supports that this missense variant has a deleterious effect on protein structure/function; Has not been previously published as pathogenic or benign to our knowledge